The following is an entry in ClinVar:

NM_001244008.2(KIF1A):c.2512_2513delinsAT (p.Asp838Ile)

Gene: KIF1A (kinesin family member 1A; minus strand). Cytogenetic location: 2q37.3.
Variant type: Indel.
Coding change: c.2512_2513delinsAT on transcript NM_001244008.2 (MANE Select); coding-DNA positions 2512 to 2513, GA replaced by AT.
Protein change: p.Asp838Ile; replaces aspartic acid 838 with isoleucine.
Molecular consequence: missense variant.
Genome position (GRCh38, 1-based): chr2:240,758,429-240,758,430, TC replaced by AT on the plus strand (GA replaced by AT on the coding strand, the reverse complement: KIF1A is on the minus strand). VCF-style: chr2-240758429-TC-AT. GRCh37 (hg19) VCF-style: chr2-241697846-TC-AT.
Other names: c.2512_2513delinsAT, p.Asp838Ile (NM_001320705.2, NM_001330289.2, NM_001379638.1); c.2587_2588delinsAT, p.Asp863Ile (NM_001330290.2, NM_001379631.1, NM_001379634.1 and 2 more transcripts); c.2485_2486delinsAT, p.Asp829Ile (NM_001379632.1, NM_001379633.1, NM_001379636.1 and 10 more transcripts); c.2560_2561delinsAT, p.Asp854Ile (NM_001379637.1, NM_001379648.1); short protein forms D829I, D854I, D838I, D863I.
Identifiers: ClinVar variation 4784792 (VCV004784792.1).

ClinVar aggregate classification (germline): Uncertain significance (1 of 4 stars; one submission).

Conditions:
Neuropathy, hereditary sensory, type 2C. Also called: KIF1A-Related HSAN2 (HSAN2C); Hereditary sensory and autonomic neuropathy type IIC. Identifiers: Orphanet 970, MedGen C3280168, MONDO:0013634, OMIM 614213.
Hereditary spastic paraplegia 30. Identifiers: Orphanet 101010, MedGen C5235139, MONDO:0012476.
Intellectual disability, autosomal dominant 9 (NESCAVS). Also called: KIF1A-Related Neurodevelopmental Disorder; NESCAV SYNDROME. Identifiers: Orphanet 662367, MedGen C5393830, MONDO:0013656, OMIM 614255.

Submission:

Labcorp Genetics (formerly Invitae), Labcorp
Classification: Uncertain significance for Hereditary spastic paraplegia 30; Neuropathy, hereditary sensory, type 2C; Intellectual disability, autosomal dominant 9. Last evaluated: 2025-04-22. Review status: criteria provided, single submitter. Criteria: Invitae Variant Classification Sherloc (09022015). Collection method: clinical testing. Allele origin: germline.
Comment: This sequence change replaces aspartic acid, which is acidic and polar, with isoleucine, which is neutral and non-polar, at codon 829 of the KIF1A protein (p.Asp829Ile). Information on the frequency of this variant in the gnomAD database is not available, as this variant may be reported differently in the database. This variant has not been reported in the literature in individuals affected with KIF1A-related conditions. An algorithm developed to predict the effect of missense changes on protein structure and function (PolyPhen-2) suggests that this variant is likely to be tolerated. In summary, the available evidence is currently insufficient to determine the role of this variant in disease. Therefore, it has been classified as a Variant of Uncertain Significance.